The following is an entry in ClinVar:

NM_001195518.2(MICU1):c.40del (p.Ala14fs)

Gene: MICU1 (mitochondrial calcium uptake 1; minus strand). Cytogenetic location: 10q22.1.
Variant type: Deletion.
Coding change: c.40del on transcript NM_001195518.2 (MANE Select); coding-DNA position 40, one base deleted (G; older notation c.40delG).
Protein change: p.Ala14fs; shifts the reading frame from alanine 14.
Molecular consequence: frameshift variant.
Genome position (GRCh38, 1-based): chr10:72,566,754, C deleted on the plus strand (G on the coding strand, the reverse complement: MICU1 is on the minus strand); the first of 2 consecutive C bases (chr10:72,566,754-72,566,755); deleting either gives the same sequence. VCF-style (leftmost placement, unchanged base first): chr10-72566753-GC-G. GRCh37 (hg19) VCF-style: chr10-74326511-GC-G.
Other names: c.40delG (NM_006077.3); c.40del, p.Ala14fs (NM_001363513.2, NM_006077.4); short protein forms A14fs.
Identifiers: ClinVar variation 431146 (VCV000431146.15), dbSNP rs749124658, ClinGen allele CA5550366.

ClinVar aggregate classification (germline): Pathogenic/Likely pathogenic. Review status: criteria provided, multiple submitters, no conflicts (2 of 4 stars). 8 submissions from 8 submitters: Pathogenic (5); Likely pathogenic (3). Last evaluated 2025-11-15.

Conditions:
MICU1-related disorder. Also called: MICU1-related condition.
Proximal myopathy with extrapyramidal signs. Also called: Myopathy with extrapyramidal signs. Identifiers: Orphanet 401768, MedGen C3810285, MONDO:0014300, OMIM 615673.
Inborn genetic diseases. Identifiers: MedGen C0950123, MeSH D030342.
Neurodevelopmental disorder. Identifiers: MedGen C1535926, MeSH D065886, MONDO:0700092.

Submissions (8):

Labcorp Genetics (formerly Invitae), Labcorp
Classification: Pathogenic. Last evaluated: 2025-11-15. Review status: criteria provided, single submitter. Criteria: Invitae Variant Classification Sherloc (09022015). Collection method: clinical testing. Allele origin: germline.
Comment: This sequence change creates a premature translational stop signal (p.Ala14Leufs*20) in the MICU1 gene. It is expected to result in an absent or disrupted protein product. Loss-of-function variants in MICU1 are known to be pathogenic (PMID: 24336167). This variant is present in population databases (rs749124658, gnomAD 0.006%). This premature translational stop signal has been observed in individual(s) with a neurodevelopmental disorder (PMID: 28708303). ClinVar contains an entry for this variant (Variation ID: 431146). For these reasons, this variant has been classified as Pathogenic.

GeneDx
Classification: Pathogenic. Last evaluated: 2025-01-31. Review status: criteria provided, single submitter. Criteria: GeneDx Variant Classification Process June 2021. Collection method: clinical testing. Allele origin: germline. Affected: yes.
Comment: Frameshift variant predicted to result in protein truncation or nonsense mediated decay in a gene for which loss of function is a known mechanism of disease; Not observed at significant frequency in large population cohorts (gnomAD); This variant is associated with the following publications: (PMID: 33969448, 28708303)

Blueprint Genetics
Classification: Likely pathogenic for MICU1-related disorders. Last evaluated: 2024-10-14. Review status: criteria provided, single submitter. Criteria: ACMG Guidelines, 2015. Collection method: clinical testing. Allele origin: germline. Affected: yes. Observed: 2 variant alleles.

Revvity Omics, Revvity
Classification: Pathogenic for Proximal myopathy with extrapyramidal signs. Last evaluated: 2023-01-13. Review status: criteria provided, single submitter. Criteria: ACMG Guidelines, 2015. Collection method: clinical testing. Allele origin: germline.

Women's Health and Genetics/Laboratory Corporation of America, LabCorp
Classification: Likely pathogenic for Proximal myopathy with extrapyramidal signs. Last evaluated: 2022-07-29. Review status: criteria provided, single submitter. Criteria: LabCorp Variant Classification Summary - May 2015. Collection method: clinical testing. Allele origin: germline.
Comment: Variant summary: CBARA1 (MICU1) c.40delG (p.Ala14LeufsX20) results in a premature termination codon, predicted to cause a truncation of the encoded protein or absence of the protein due to nonsense mediated decay, which are commonly known mechanisms for disease. Truncations downstream of this position have been classified as pathogenic in ClinVar (e.g. c.355C>T (p.Arg119*), c.547C>T (p.Gln183*))The variant allele was found at a frequency of 2.5e-05 in 277426 control chromosomes (gnomAD). c.40delG has been reported in the literature in at least one compound heterozygous individual affected with Myopathy With Extrapyramidal Signs (e.g. Cherot_2017). To our knowledge, no experimental evidence demonstrating an impact on protein function has been reported. Two submitters have provided clinical-significance assessments for this variant to ClinVar after 2014 and both classified the variant as pathogenic (n=1) or likely pathogenic (n=1). Based on the evidence outlined above, the variant was classified as likely pathogenic.

Laboratory of Molecular Genetics (Pr. Bezieau's lab), CHU de Nantes
Classification: Pathogenic for Neurodevelopmental disorder. Last evaluated: 2022-03-22. Review status: criteria provided, single submitter. Criteria: ACMG Guidelines, 2015. Collection method: clinical testing. Allele origin: germline. Affected: yes.

Ambry Genetics
Classification: Likely pathogenic for Inborn genetic diseases. Last evaluated: 2017-06-27. Review status: criteria provided, single submitter. Criteria: Ambry exome assertion method (8-5-2015). Collection method: clinical testing. Allele origin: germline. Affected: yes. Observed: 1 variant allele.

Groupe Hospitalier Pitie Salpetriere, Uf Genomique Du Developpement, Assistance Publique Hopitaux de Paris Sorbonne Université
Classification: Pathogenic for Myopathy with extrapyramidal signs. Last evaluated: 2017-01-06. Review status: criteria provided, single submitter. Criteria: ACMG Guidelines, 2015. Collection method: clinical testing. Allele origin: paternal. Affected: yes. Observed: 1 variant allele.
Comment: Intellectual disability, mild; pyramidal syndrome; dystonia; myoclonus; sensitivo-motor axonal neuropathy; hypotonia; intestinal malrotation

Literature cited by the submitters: PubMed 24336167 (cited by Labcorp Genetics (formerly Invitae), Labcorp); PubMed 28708303 (cited by 3 submitters).